The following is an entry in ClinVar:

NM_002637.4(PHKA1):c.2243G>A (p.Arg748His)

Gene: PHKA1 (phosphorylase kinase regulatory subunit alpha 1; minus strand). Cytogenetic location: Xq13.1.
Variant type: single nucleotide variant.
Coding change: c.2243G>A on transcript NM_002637.4 (MANE Select); coding-DNA position 2243, G replaced by A.
Protein change: p.Arg748His; replaces arginine 748 with histidine.
Molecular consequence: missense variant.
Genome position (GRCh38, 1-based): chrX:72,618,836, C>T on the plus strand (G>A on the coding strand, the complement: PHKA1 is on the minus strand). VCF-style: chrX-72618836-C-T. GRCh37 (hg19) VCF-style: chrX-71838686-C-T.
Other names: c.2243G>A (NM_002637.3); c.2243G>A, p.Arg748His (NM_001122670.2); c.2066G>A, p.Arg689His (NM_001172436.2); short protein forms R748H, R689H.
Identifiers: ClinVar variation 1380978 (VCV001380978.10), dbSNP rs2147704831, ClinGen allele CA413590626.

ClinVar aggregate classification (germline): Uncertain significance. Review status: criteria provided, multiple submitters, no conflicts (2 of 4 stars). 3 submissions from 3 submitters: Uncertain significance (3). Last evaluated 2025-02-08.

Conditions:
Inborn genetic diseases. Identifiers: MedGen C0950123, MeSH D030342.
Glycogen storage disease IXd (GSD9D). Also called: Muscle Phosphorylase Kinase Deficiency; GSD IXd. Identifiers: Orphanet 715, MedGen C1845151, MONDO:0010362, OMIM 300559.

gnomAD v4.1: 6 of 1,204,554 alleles (0.0005%); highest among the groups gnomAD compares: Non-Finnish European, 0.00056%; no homozygotes.

Submissions (3):

Ambry Genetics
Classification: Uncertain significance for Inborn genetic diseases. Last evaluated: 2025-02-08. Review status: criteria provided, single submitter. Criteria: Ambry Variant Classification Scheme 2023. Collection method: clinical testing. Allele origin: germline.

Labcorp Genetics (formerly Invitae), Labcorp
Classification: Uncertain significance for Glycogen storage disease IXd. Last evaluated: 2024-02-24. Review status: criteria provided, single submitter. Criteria: Invitae Variant Classification Sherloc (09022015). Collection method: clinical testing. Allele origin: germline.
Comment: This sequence change replaces arginine, which is basic and polar, with histidine, which is basic and polar, at codon 748 of the PHKA1 protein (p.Arg748His). This variant is not present in population databases (gnomAD no frequency). This variant has not been reported in the literature in individuals affected with PHKA1-related conditions. ClinVar contains an entry for this variant (Variation ID: 1380978). Advanced modeling of protein sequence and biophysical properties (such as structural, functional, and spatial information, amino acid conservation, physicochemical variation, residue mobility, and thermodynamic stability) performed at Invitae indicates that this missense variant is not expected to disrupt PHKA1 protein function with a negative predictive value of 80%. Algorithms developed to predict the effect of sequence changes on RNA splicing suggest that this variant may disrupt the consensus splice site. In summary, the available evidence is currently insufficient to determine the role of this variant in disease. Therefore, it has been classified as a Variant of Uncertain Significance.

Baylor Genetics
Classification: Uncertain significance for Glycogen storage disease IXd. Last evaluated: 2024-02-13. Review status: criteria provided, single submitter. Criteria: ACMG Guidelines, 2015. Collection method: clinical testing. Allele origin: unknown.